The following is an entry in ClinVar:

ClinVar aggregate classification (germline): Benign/Likely benign. Review status: criteria provided, multiple submitters, no conflicts (2 of 4 stars). 3 submissions from 3 submitters: Benign (1); Likely benign (2). Last evaluated 2025-01-30.

Conditions:
Hereditary nonpolyposis colorectal neoplasms. Identifiers: MedGen C0009405, MeSH D003123.
Hereditary cancer-predisposing syndrome. Also called: Hereditary Cancer Syndrome; Hereditary neoplastic syndrome; Neoplastic Syndromes, Hereditary; Tumor predisposition. Identifiers: Orphanet 140162, MedGen C0027672, MeSH D009386, MONDO:0015356.
Lynch syndrome 4 (LYNCH4). Also called: Hereditary non-polyposis colorectal cancer, type 4; Colorectal cancer, hereditary nonpolyposis, type 4. Identifiers: Orphanet 144, MedGen C1838333, MONDO:0013699, OMIM 614337. Disease mechanism: loss of function.

Submissions (3):

Myriad Genetics, Inc.
Classification: Benign for Lynch syndrome 4. Last evaluated: 2025-01-30. Review status: criteria provided, single submitter. Criteria: Myriad Autosomal Dominant, Autosomal Recessive and X-Linked Classification Criteria (2023). Collection method: clinical testing. Allele origin: unknown.
Comment: This variant is considered benign. This variant is a silent/synonymous amino acid change and it is not expected to impact splicing.

Labcorp Genetics (formerly Invitae), Labcorp
Classification: Likely benign for Hereditary nonpolyposis colorectal neoplasms. Last evaluated: 2024-05-31. Review status: criteria provided, single submitter. Criteria: Invitae Variant Classification Sherloc (09022015). Collection method: clinical testing. Allele origin: germline.

Ambry Genetics
Classification: Likely benign for Hereditary cancer-predisposing syndrome. Last evaluated: 2019-12-13. Review status: criteria provided, single submitter. Criteria: Ambry Variant Classification Scheme 2023. Collection method: clinical testing. Allele origin: germline.

NM_000535.7(PMS2):c.1392C>T (p.Asp464=)

Gene: PMS2 (PMS1 homolog 2, mismatch repair system component; minus strand). Cytogenetic location: 7p22.1.
Variant type: single nucleotide variant.
Coding change: c.1392C>T on transcript NM_000535.7 (MANE Select); coding-DNA position 1392, C replaced by T.
Protein change: p.Asp464=; no amino-acid change (aspartic acid 464 retained).
Molecular consequence: synonymous variant. On other transcripts: non-coding transcript variant (1), intron variant (1).
Genome position (GRCh38, 1-based): chr7:5,987,373, G>A on the plus strand (C>T on the coding strand, the complement: PMS2 is on the minus strand). VCF-style: chr7-5987373-G-A. GRCh37 (hg19) VCF-style: chr7-6027004-G-A.
Other names: c.987C>T, p.Asp329= (NM_001018040.1, NM_001322003.2, NM_001322004.2 and 17 more transcripts); c.1236C>T, p.Asp412= (NM_001322006.2, NM_001406870.1); c.1074C>T, p.Asp358= (NM_001322007.2, NM_001322008.2, NM_001406876.1 and 2 more transcripts); c.831C>T, p.Asp277= (NM_001322010.2, NM_001406906.1, NM_001406907.1); c.459C>T, p.Asp153= (NM_001322011.2, NM_001322012.2); c.819C>T, p.Asp273= (NM_001322013.2, NM_001406909.1); c.1392C>T, p.Asp464= (NM_001322014.2, NM_001406871.1, NM_001406872.1); c.1083C>T, p.Asp361= (NM_001322015.2, NM_001406875.1, NM_001406877.1 and 5 more transcripts); and 13 more.
Identifiers: ClinVar variation 1771576 (VCV001771576.6), dbSNP rs1393268636, ClinGen allele CA453746675.